The following is an entry in ClinVar:

NM_198253.3(TERT):c.2396A>G (p.Asn799Ser)

Gene: TERT (telomerase reverse transcriptase; minus strand). Cytogenetic location: 5p15.33.
Variant type: single nucleotide variant.
Coding change: c.2396A>G on transcript NM_198253.3 (MANE Select); coding-DNA position 2396, A replaced by G.
Protein change: p.Asn799Ser; replaces asparagine 799 with serine.
Molecular consequence: missense variant.
Genome position (GRCh38, 1-based): chr5:1,271,191, T>C on the plus strand (A>G on the coding strand, the complement: TERT is on the minus strand). VCF-style: chr5-1271191-T-C. GRCh37 (hg19) VCF-style: chr5-1271306-T-C.
Other names: c.2396A>G, p.Asn799Ser (NM_001193376.3); short protein forms N799S.
Identifiers: ClinVar variation 1395742 (VCV001395742.10), dbSNP rs2126614637, ClinGen allele CA359075842.

ClinVar aggregate classification (germline): Uncertain significance. Review status: criteria provided, multiple submitters, no conflicts (2 of 4 stars). 2 submissions from 2 submitters: Uncertain significance (2). Last evaluated 2022-06-12.

Conditions:
Idiopathic Pulmonary Fibrosis. Also called: Idiopathic fibrosing alveolitis, chronic form; idiopathic fibrosing alveolitis. Identifiers: Orphanet 2032, MedGen C1800706, MeSH D054990, MONDO:0800504.
Dyskeratosis congenita, autosomal dominant 2. Identifiers: MedGen C3151443, MONDO:0013521, OMIM 613989.
Dyskeratosis congenita. Identifiers: Orphanet 1775, MedGen C0265965, MONDO:0015780.

Submissions (2):

Labcorp Genetics (formerly Invitae), Labcorp
Classification: Uncertain significance for Dyskeratosis congenita, autosomal dominant 2; Idiopathic Pulmonary Fibrosis. Last evaluated: 2022-06-12. Review status: criteria provided, single submitter. Criteria: Invitae Variant Classification Sherloc (09022015). Collection method: clinical testing. Allele origin: germline.
Comment: In summary, the available evidence is currently insufficient to determine the role of this variant in disease. Therefore, it has been classified as a Variant of Uncertain Significance. Algorithms developed to predict the effect of sequence changes on RNA splicing suggest that this variant may create or strengthen a splice site. Algorithms developed to predict the effect of missense changes on protein structure and function are either unavailable or do not agree on the potential impact of this missense change (SIFT: "Tolerated"; PolyPhen-2: "Probably Damaging"; Align-GVGD: "Class C0"). This variant has not been reported in the literature in individuals affected with TERT-related conditions. This variant is not present in population databases (gnomAD no frequency). This sequence change replaces asparagine, which is neutral and polar, with serine, which is neutral and polar, at codon 799 of the TERT protein (p.Asn799Ser).

Ambry Genetics
Classification: Uncertain significance for Dyskeratosis congenita. Last evaluated: 2022-02-26. Review status: criteria provided, single submitter. Criteria: Ambry Variant Classification Scheme 2023. Collection method: clinical testing. Allele origin: germline.
Comment: The p.N799S variant (also known as c.2396A>G), located in coding exon 8 of the TERT gene, results from an A to G substitution at nucleotide position 2396. The asparagine at codon 799 is replaced by serine, an amino acid with highly similar properties. This amino acid position is conserved. In addition, this alteration is predicted to be tolerated by in silico analysis. Since supporting evidence is limited at this time, the clinical significance of this alteration remains unclear.